The following is an entry in ClinVar:

ClinVar aggregate classification (germline): Uncertain significance (1 of 4 stars; one submission).

Conditions:
Hereditary cancer-predisposing syndrome. Also called: Neoplastic Syndromes, Hereditary; Hereditary Cancer Syndrome; Hereditary neoplastic syndrome; Tumor predisposition. Identifiers: Orphanet 140162, MedGen C0027672, MeSH D009386, MONDO:0015356.

Submission:

Ambry Genetics
Classification: Uncertain significance for Hereditary cancer-predisposing syndrome. Last evaluated: 2023-03-25. Review status: criteria provided, single submitter. Criteria: Ambry Variant Classification Scheme 2023. Collection method: clinical testing. Allele origin: germline.
Comment: The p.E430Q variant (also known as c.1288G>C), located in coding exon 11 of the MRE11A gene, results from a G to C substitution at nucleotide position 1288. The glutamic acid at codon 430 is replaced by glutamine, an amino acid with highly similar properties. This amino acid position is conserved. In addition, the in silico prediction for this alteration is inconclusive. Since supporting evidence is limited at this time, the clinical significance of this alteration remains unclear.

NM_005591.4(MRE11):c.1288G>C (p.Glu430Gln)

Gene: MRE11 (MRE11 double strand break repair nuclease; minus strand). Cytogenetic location: 11q21.
Variant type: single nucleotide variant.
Coding change: c.1288G>C on transcript NM_005591.4 (MANE Select); coding-DNA position 1288, G replaced by C.
Protein change: p.Glu430Gln; replaces glutamic acid 430 with glutamine.
Molecular consequence: missense variant.
Genome position (GRCh38, 1-based): chr11:94,460,974, C>G on the plus strand (G>C on the coding strand, the complement: MRE11 is on the minus strand). VCF-style: chr11-94460974-C-G. GRCh37 (hg19) VCF-style: chr11-94194140-C-G.
Other names: c.1288G>C, p.Glu430Gln (NM_001330347.2, NM_005590.4); short protein forms E430Q.
Identifiers: ClinVar variation 2565890 (VCV002565890.2), dbSNP rs2496399657, ClinGen allele CA382372355.
Genomic context (GRCh38, chr11:94,460,974, plus strand): 5'-AATGTGAACTGTAAGAAATTACCTTCTCTGCGGTTTGAAAGTACTGTTTTACAAGATCTT[C>G]TACCCTTAAAGTTGTTCCTTCTGAAGGCTTTGTGATAAGTTTCCCAAAGTTGATCTCTTC-3'
Protein context (NP_005582.1, residues 420-440): KPSEGTTLRV[Glu430Gln]DLVKQYFQTA